The following is an entry in ClinVar:

ClinVar aggregate classification (germline): Likely pathogenic (1 of 4 stars; one submission).

Allele frequency attached by ClinVar (database versions not stated): gnomAD exomes 0.00004; gnomAD 0.00005; ESP Exome Variant Server 0.00008; ExAC 0.00012.
gnomAD v4.1: 67 of 1,613,694 alleles (0.0042%); highest among the groups gnomAD compares: Non-Finnish European, 0.0053%; no homozygotes.

Submissions (2):

Labcorp Genetics (formerly Invitae), Labcorp
Classification: Likely pathogenic. Last evaluated: 2025-10-21. Review status: criteria provided, single submitter. Criteria: Invitae Variant Classification Sherloc (09022015). Collection method: clinical testing. Allele origin: germline.
Comment: This sequence change affects a donor splice site in intron 16 of the DOCK6 gene. It is expected to disrupt RNA splicing. Variants that disrupt the donor or acceptor splice site typically lead to a loss of protein function (PMID: 16199547), and loss-of-function variants in DOCK6 are known to be pathogenic (PMID: 21820096, 25824905). This variant is present in population databases (rs368262294, gnomAD 0.01%). This variant has not been reported in the literature in individuals affected with DOCK6-related conditions. ClinVar contains an entry for this variant (Variation ID: 2186245). Algorithms developed to predict the effect of sequence changes on RNA splicing suggest that this variant may disrupt the consensus splice site. In summary, the currently available evidence indicates that the variant is pathogenic, but additional data are needed to prove that conclusively. Therefore, this variant has been classified as Likely Pathogenic.

Dr. Peter K. Rogan Lab, Western University
No classification provided (evidence only). Condition: Sarcoma. Review status: no classification provided. Collection method: in vitro. Allele origin: not applicable. Functional consequence: retained intron. Not counted in ClinVar's aggregate classification.

Literature cited by the submitters: PubMed 16199547 (cited by Labcorp Genetics (formerly Invitae), Labcorp); PubMed 21820096 (cited by Labcorp Genetics (formerly Invitae), Labcorp); PubMed 25824905 (cited by Labcorp Genetics (formerly Invitae), Labcorp).

NM_020812.4(DOCK6):c.1832+1G>A

Gene: DOCK6 (dedicator of cytokinesis 6; minus strand). Cytogenetic location: 19p13.2.
Variant type: single nucleotide variant.
Coding change: c.1832+1G>A on transcript NM_020812.4 (MANE Select); the canonical splice donor site of the intron after coding-DNA position 1832, G replaced by A.
Molecular consequence: splice donor variant.
Genome position (GRCh38, 1-based): chr19:11,238,044, C>T on the plus strand (G>A on the coding strand, the complement: DOCK6 is on the minus strand). VCF-style: chr19-11238044-C-T. GRCh37 (hg19) VCF-style: chr19-11348720-C-T.
Other names: c.1832+1G>A (NM_001367830.1).
Identifiers: ClinVar variation 2186245 (VCV002186245.4), dbSNP rs368262294, ClinGen allele CA9207846.